The following is an entry in ClinVar:

NM_003630.3(PEX3):c.1039-6T>G

Gene: PEX3 (peroxisomal biogenesis factor 3; plus strand). Cytogenetic location: 6q24.2.
Variant type: single nucleotide variant.
Coding change: c.1039-6T>G on transcript NM_003630.3 (MANE Select); 6 bases into the intron before coding-DNA position 1039, T replaced by G.
Molecular consequence: intron variant.
Genome position (GRCh38, 1-based): chr6:143,489,137, T>G. VCF-style: chr6-143489137-T-G. GRCh37 (hg19) VCF-style: chr6-143810274-T-G.
Identifiers: ClinVar variation 5000205 (VCV005000205.1).

ClinVar aggregate classification (germline): Uncertain significance (1 of 4 stars; one submission).

Conditions:
PEX3-related disorder. Also called: PEX3-related condition.

gnomAD v4.1: 4 of 1,583,924 alleles (0.00025%); no homozygotes.

Submission:

PreventionGenetics, part of Exact Sciences
Classification: Uncertain significance for PEX3-related condition. Last evaluated: 2025-02-06. Review status: criteria provided, single submitter. Criteria: ACMG Guidelines, 2015. Collection method: clinical testing. Allele origin: germline.
Comment: The PEX3 c.1039-6T>G variant is predicted to interfere with splicing. To our knowledge, this variant has not been reported in the literature. This variant is reported in 0.0040% of alleles in individuals of European (Finnish) descent in gnomAD. At this time, the clinical significance of this variant is uncertain due to the absence of conclusive functional and genetic evidence.